The following is an entry in ClinVar:

NM_005428.4(VAV1):c.2330C>A (p.Ala777Glu)

Gene: VAV1 (vav guanine nucleotide exchange factor 1; plus strand). Cytogenetic location: 19p13.3.
Variant type: single nucleotide variant.
Coding change: c.2330C>A on transcript NM_005428.4 (MANE Select); coding-DNA position 2330, C replaced by A.
Protein change: p.Ala777Glu; replaces alanine 777 with glutamic acid.
Molecular consequence: missense variant.
Genome position (GRCh38, 1-based): chr19:6,853,077, C>A. VCF-style: chr19-6853077-C-A. GRCh37 (hg19) VCF-style: chr19-6853088-C-A.
Other names: c.2264C>A, p.Ala755Glu (NM_001258206.2); c.2234C>A, p.Ala745Glu (NM_001258207.2); short protein forms A745E, A755E, A777E.
Identifiers: ClinVar variation 1905455 (VCV001905455.5), dbSNP rs764458602, ClinGen allele CA9132929.

ClinVar aggregate classification (germline): Uncertain significance (1 of 4 stars; one submission).

Allele frequency attached by ClinVar (database versions not stated): gnomAD 0.00003; TOPMed 0.00003; gnomAD exomes 0.00005; ExAC 0.00007.
gnomAD v4.1: 83 of 1,610,332 alleles (0.0052%); highest among the groups gnomAD compares: Middle Eastern, 0.016%; no homozygotes.

Submission:

Labcorp Genetics (formerly Invitae), Labcorp
Classification: Uncertain significance. Last evaluated: 2026-01-11. Review status: criteria provided, single submitter. Criteria: Invitae Variant Classification Sherloc (09022015). Collection method: clinical testing. Allele origin: germline.
Comment: This sequence change replaces alanine, which is neutral and non-polar, with glutamic acid, which is acidic and polar, at codon 777 of the VAV1 protein (p.Ala777Glu). This variant is present in population databases (rs764458602, gnomAD 0.01%). This variant has not been reported in the literature in individuals affected with VAV1-related conditions. ClinVar contains an entry for this variant (Variation ID: 1905455). An algorithm developed to predict the effect of missense changes on protein structure and function (PolyPhen-2) suggests that this variant is likely to be tolerated. In summary, the available evidence is currently insufficient to determine the role of this variant in disease. Therefore, it has been classified as a Variant of Uncertain Significance.